The following is an entry in ClinVar:

NM_005359.6(SMAD4):c.1175A>G (p.Lys392Arg)

Gene: SMAD4 (SMAD family member 4; plus strand). Cytogenetic location: 18q21.2.
Variant type: single nucleotide variant.
Coding change: c.1175A>G on transcript NM_005359.6 (MANE Select); coding-DNA position 1175, A replaced by G.
Protein change: p.Lys392Arg; replaces lysine 392 with arginine.
Molecular consequence: missense variant. On other transcripts: non-coding transcript variant (1).
Genome position (GRCh38, 1-based): chr18:51,067,054, A>G. VCF-style: chr18-51067054-A-G. GRCh37 (hg19) VCF-style: chr18-48593424-A-G.
Other names: c.1175A>G, p.Lys392Arg (NM_001407041.1, NM_001407042.1); short protein forms K392R.
Identifiers: ClinVar variation 5029727 (VCV005029727.1).

ClinVar aggregate classification (germline): Uncertain significance (1 of 4 stars; one submission).

Conditions:
Familial thoracic aortic aneurysm and aortic dissection (TAAD). Also called: Thoracic aortic aneurysms and dissections. Identifiers: Orphanet 91387, MedGen C4707243, MONDO:0019625.
Hereditary cancer-predisposing syndrome. Also called: Neoplastic Syndromes, Hereditary; Tumor predisposition; Hereditary neoplastic syndrome; Hereditary Cancer Syndrome. Identifiers: Orphanet 140162, MedGen C0027672, MeSH D009386, MONDO:0015356.

Submission:

Ambry Genetics
Classification: Uncertain significance for Hereditary cancer-predisposing syndrome; Familial thoracic aortic aneurysm and aortic dissection. Last evaluated: 2026-07-02. Review status: criteria provided, single submitter. Criteria: Ambry Variant Classification Scheme 2023. Collection method: clinical testing. Allele origin: germline.
Comment: The p.K392R variant (also known as c.1175A>G), located in coding exon 9 of the SMAD4 gene, results from an A to G substitution at nucleotide position 1175. The lysine at codon 392 is replaced by arginine, an amino acid with highly similar properties. This amino acid position is conserved. In addition, the in silico prediction for this alteration is inconclusive. Based on the available evidence, the clinical significance of this variant remains unclear.